The following is an entry in ClinVar:

NM_153033.5(KCTD7):c.181C>T (p.His61Tyr)

Gene: KCTD7 (potassium channel tetramerization domain containing 7; plus strand). Cytogenetic location: 7q11.21.
Variant type: single nucleotide variant.
Coding change: c.181C>T on transcript NM_153033.5 (MANE Select); coding-DNA position 181, C replaced by T.
Protein change: p.His61Tyr; replaces histidine 61 with tyrosine.
Molecular consequence: missense variant.
Genome position (GRCh38, 1-based): chr7:66,633,311, C>T. VCF-style: chr7-66633311-C-T. GRCh37 (hg19) VCF-style: chr7-66098298-C-T.
Other names: c.181C>T, p.His61Tyr (NM_001167961.2); short protein forms H61Y.
Identifiers: ClinVar variation 911917 (VCV000911917.9), dbSNP rs368018261, ClinGen allele CA4278193.

ClinVar aggregate classification (germline): Uncertain significance. Review status: criteria provided, multiple submitters, no conflicts (2 of 4 stars). 3 submissions from 3 submitters: Uncertain significance (3). Last evaluated 2023-03-28.

Conditions:
Progressive myoclonic epilepsy type 3. Also called: EPILEPSY, PROGRESSIVE MYOCLONIC, 3, WITHOUT INTRACELLULAR INCLUSIONS; EPILEPSY, PROGRESSIVE MYOCLONIC, 3, WITH OR WITHOUT INTRACELLULAR INCLUSIONS; CEROID LIPOFUSCINOSIS, NEURONAL, 14; KCTD7-Related Progressive Myoclonic Epilepsy. Identifiers: Orphanet 263516, MedGen C2673257, MONDO:0012721, OMIM 611726.
Inborn genetic diseases. Identifiers: MedGen C0950123, MeSH D030342.

Allele frequency attached by ClinVar (database versions not stated): gnomAD 0.00001; gnomAD exomes 0.00001 and 0.00002; ExAC 0.00002; TOPMed 0.00002; ESP Exome Variant Server 0.00008.
gnomAD v4.1: 10 of 1,613,762 alleles (0.00062%); highest among the groups gnomAD compares: Admixed American, 0.0017%; no homozygotes.

Submissions (3):

Ambry Genetics
Classification: Uncertain significance for Inborn genetic diseases. Last evaluated: 2023-03-28. Review status: criteria provided, single submitter. Criteria: Ambry Variant Classification Scheme 2023. Collection method: clinical testing. Allele origin: germline.

Labcorp Genetics (formerly Invitae), Labcorp
Classification: Uncertain significance for Progressive myoclonic epilepsy type 3. Last evaluated: 2022-06-27. Review status: criteria provided, single submitter. Criteria: Invitae Variant Classification Sherloc (09022015). Collection method: clinical testing. Allele origin: germline.
Comment: This sequence change replaces histidine, which is basic and polar, with tyrosine, which is neutral and polar, at codon 61 of the KCTD7 protein (p.His61Tyr). This variant is present in population databases (rs368018261, gnomAD 0.003%). This variant has not been reported in the literature in individuals affected with KCTD7-related conditions. ClinVar contains an entry for this variant (Variation ID: 911917). Algorithms developed to predict the effect of missense changes on protein structure and function output the following: SIFT: "Tolerated"; PolyPhen-2: "Benign"; Align-GVGD: "Class C0". The tyrosine amino acid residue is found in multiple mammalian species, which suggests that this missense change does not adversely affect protein function. In summary, the available evidence is currently insufficient to determine the role of this variant in disease. Therefore, it has been classified as a Variant of Uncertain Significance.

Illumina Laboratory Services, Illumina
Classification: Uncertain significance for Progressive myoclonic epilepsy type 3. Last evaluated: 2018-01-13. Review status: criteria provided, single submitter. Criteria: ICSL Variant Classification Criteria 13 December 2019. Collection method: clinical testing. Allele origin: germline.